The following is an entry in ClinVar:

ClinVar aggregate classification (germline): Uncertain significance. Review status: criteria provided, multiple submitters, no conflicts (2 of 4 stars). 3 submissions from 3 submitters: Uncertain significance (3). Last evaluated 2025-11-06.

Conditions:
2-aminoadipic 2-oxoadipic aciduria (AAKAD). Also called: Aminoadipic aciduria; ALPHA-AMINOADIPIC AND ALPHA-KETOADIPIC ACIDURIA. Identifiers: Orphanet 79154, MedGen C1859817, MONDO:0008774, OMIM 204750.
Inborn genetic diseases. Identifiers: MedGen C0950123, MeSH D030342.

Allele frequency attached by ClinVar (database versions not stated): ExAC 0.00002; gnomAD exomes 0.00002 and 0.00013; gnomAD 0.00003; TOPMed 0.00003; ESP Exome Variant Server 0.00008.
gnomAD v4.1: 189 of 1,614,070 alleles (0.012%); highest among the groups gnomAD compares: Non-Finnish European, 0.016%; no homozygotes.

Submissions (3):

Labcorp Genetics (formerly Invitae), Labcorp
Classification: Uncertain significance for 2-aminoadipic 2-oxoadipic aciduria. Last evaluated: 2025-11-06. Review status: criteria provided, single submitter. Criteria: Invitae Variant Classification Sherloc (09022015). Collection method: clinical testing. Allele origin: germline.
Comment: This sequence change replaces asparagine, which is neutral and polar, with aspartic acid, which is acidic and polar, at codon 670 of the DHTKD1 protein (p.Asn670Asp). This variant is present in population databases (rs149034097, gnomAD 0.005%). This variant has not been reported in the literature in individuals affected with DHTKD1-related conditions. ClinVar contains an entry for this variant (Variation ID: 864576). Invitae Evidence Modeling of protein sequence and biophysical properties (such as structural, functional, and spatial information, amino acid conservation, physicochemical variation, residue mobility, and thermodynamic stability) indicates that this missense variant is not expected to disrupt DHTKD1 protein function with a negative predictive value of 80%. In summary, the available evidence is currently insufficient to determine the role of this variant in disease. Therefore, it has been classified as a Variant of Uncertain Significance.

Ambry Genetics
Classification: Uncertain significance for Inborn genetic diseases. Last evaluated: 2025-02-01. Review status: criteria provided, single submitter. Criteria: Ambry Variant Classification Scheme 2023. Collection method: clinical testing. Allele origin: germline.

GeneDx
Classification: Uncertain significance. Last evaluated: 2022-02-04. Review status: criteria provided, single submitter. Criteria: GeneDx Variant Classification Process June 2021. Collection method: clinical testing. Allele origin: germline. Affected: yes.
Comment: In silico analysis supports that this missense variant has a deleterious effect on protein structure/function; Has not been previously published as pathogenic or benign to our knowledge

NM_018706.7(DHTKD1):c.2008A>G (p.Asn670Asp)

Gene: DHTKD1 (dehydrogenase E1 and transketolase domain containing 1; plus strand). Cytogenetic location: 10p14.
Variant type: single nucleotide variant.
Coding change: c.2008A>G on transcript NM_018706.7 (MANE Select); coding-DNA position 2008, A replaced by G.
Protein change: p.Asn670Asp; replaces asparagine 670 with aspartic acid.
Molecular consequence: missense variant.
Genome position (GRCh38, 1-based): chr10:12,106,357, A>G. VCF-style: chr10-12106357-A-G. GRCh37 (hg19) VCF-style: chr10-12148356-A-G.
Other names: c.2008A>G (NM_018706.5); short protein forms N670D.
Identifiers: ClinVar variation 864576 (VCV000864576.10), dbSNP rs149034097, ClinGen allele CA5408093.